The following is an entry in ClinVar:

NM_001081.4(CUBN):c.8126_8127del (p.Ala2708_Tyr2709insTer)

Gene: CUBN (cubilin; minus strand). Cytogenetic location: 10p13.
Variant type: Deletion.
Coding change: c.8126_8127del on transcript NM_001081.4 (MANE Select); coding-DNA positions 8126 to 8127, 2 bases deleted (AT; older notation c.8126_8127delAT).
Protein change: p.Ala2708_Tyr2709insTer.
Molecular consequence: nonsense.
Genome position (GRCh38, 1-based): chr10:16,901,395-16,901,396, AT deleted on the plus strand (AT on the coding strand, the reverse complement: CUBN is on the minus strand); deleting any 2 consecutive bases within chr10:16,901,395-16,901,397 gives the same sequence; the c. name uses the placement nearest the transcript's 3' end. VCF-style (leftmost placement, unchanged base first): chr10-16901394-CAT-C. GRCh37 (hg19) VCF-style: chr10-16943393-CAT-C.
Identifiers: ClinVar variation 2147526 (VCV002147526.5), dbSNP rs776124003, ClinGen allele CA5423114.
Genomic context (GRCh38, chr10:16,901,394, plus strand): 5'-TCACAGTGATGGTGTGCCCTTGTGGGGCCTCCAACAGCGAAGAGCAGTGGGTCAGGCTGT[CAT>C]AAGCATTTGGATAGTTGGGGCTTGTGATCACTCCACTGTCACCTATCTGTATTCCGCCAC-3'

ClinVar aggregate classification (germline): Pathogenic/Likely pathogenic. Review status: criteria provided, multiple submitters, no conflicts (2 of 4 stars). 2 submissions from 2 submitters: Pathogenic (1); Likely pathogenic (1). Last evaluated 2025-06-12.

Conditions:
Imerslund-Grasbeck syndrome. Also called: ENTEROCYTE COBALAMIN MALABSORPTION; ENTEROCYTE INTRINSIC FACTOR RECEPTOR, DEFECT OF; PERNICIOUS ANEMIA, JUVENILE, DUE TO SELECTIVE INTESTINAL MALABSORPTION OF VITAMIN B12, WITH PROTEINURIA; Imerslund-Gräsbeck syndrome; Megaloblastic anemia due to inborn errors of metabolism. Identifiers: Orphanet 35858, MedGen C4551825, MONDO:0009853.
Imerslund-Grasbeck syndrome type 1 (IGS1). Also called: Imerslund-Gräsbeck syndrome 1; Megaloblastic anemia 1, Finnish type; MEGALOBLASTIC ANEMIA, 1. Identifiers: MedGen C4016819, MONDO:0100156, OMIM 261100.
Proteinuria, chronic benign. Identifiers: MedGen C5394384, MONDO:0030042, OMIM 618884.

Submissions (2):

Labcorp Genetics (formerly Invitae), Labcorp
Classification: Pathogenic for Imerslund-Grasbeck syndrome. Last evaluated: 2025-06-12. Review status: criteria provided, single submitter. Criteria: Invitae Variant Classification Sherloc (09022015). Collection method: clinical testing. Allele origin: germline.
Comment: This sequence change creates a premature translational stop signal (p.Tyr2709*) in the CUBN gene. It is expected to result in an absent or disrupted protein product. Loss-of-function variants in CUBN are known to be pathogenic (PMID: 15024727, 22929189, 25349199, 31613795, 34979989). This variant is present in population databases (rs776124003, gnomAD 0.01%). This variant has not been reported in the literature in individuals affected with CUBN-related conditions. ClinVar contains an entry for this variant (Variation ID: 2147526). Algorithms developed to predict the effect of sequence changes on RNA splicing suggest that this variant may disrupt the consensus splice site. For these reasons, this variant has been classified as Pathogenic.

Fulgent Genetics
Classification: Likely pathogenic for Imerslund-Grasbeck syndrome type 1; Proteinuria, chronic benign. Last evaluated: 2024-02-04. Review status: criteria provided, single submitter. Criteria: ACMG Guidelines, 2015. Collection method: clinical testing. Allele origin: germline.

Literature cited by the submitters: PubMed 15024727 (cited by Labcorp Genetics (formerly Invitae), Labcorp); PubMed 22929189 (cited by Labcorp Genetics (formerly Invitae), Labcorp); PubMed 25349199 (cited by Labcorp Genetics (formerly Invitae), Labcorp); PubMed 31613795 (cited by Labcorp Genetics (formerly Invitae), Labcorp); PubMed 34979989 (cited by Labcorp Genetics (formerly Invitae), Labcorp).